The following is an entry in ClinVar:

ClinVar aggregate classification (germline): Uncertain significance. Review status: criteria provided, single submitter (1 of 4 stars). 2 submissions from 2 submitters: Uncertain significance (1). 1 of the submissions does not count toward it. Last evaluated 2022-06-10.

Conditions:
Dystonia 33 (DYT33). Identifiers: MedGen C5562054, MONDO:0030513, OMIM 619687.

Submissions (2):

SIB Swiss Institute of Bioinformatics
Classification: Uncertain significance for Dystonia 33. Last evaluated: 2022-06-10. Review status: criteria provided, single submitter. Criteria: ACMG Guidelines, 2015. Collection method: curation. Allele origin: unknown.
Comment: This variant is interpreted as a variant of uncertain significance for Dystonia 33, autosomal recessive. The following ACMG Tag(s) were applied: Absent from controls (or at extremely low frequency if recessive) in Exome Sequencing Project, 1000 Genomes Project, or Exome Aggregation Consortium (PM2); Well-established functional studies show a deleterious effect (PS3 downgraded to supporting); Located in a mutational hot spot and/or critical and well-established functional domain (PM1 downgraded to supporting).

OMIM
Classification: Pathogenic for DYSTONIA 33. Last evaluated: 2022-02-10. Review status: no assertion criteria provided. Collection method: literature only. Allele origin: germline. Not counted in ClinVar's aggregate classification.

Literature cited by the submitters: PubMed 33236446 (cited by SIB Swiss Institute of Bioinformatics); Kuipers, D. J. S., Mandemakers, W., Lu, C.-S., Olgiati, S., Breedveld, G. J., Fevga, C., Tadic, V., Carecchio, M., Osterman, B., Sagi-Dain, L., Wu-Chou, Y.-H., Chen, C. C., and 22 others EIF2AK2 missense variants associated with early onset generalized dystonia. Ann. Neurol. 89: 485-497, 2021. (cited by OMIM).

NM_001135651.3(EIF2AK2):c.95A>C (p.Asn32Thr)

Gene: EIF2AK2 (eukaryotic translation initiation factor 2 alpha kinase 2; minus strand). Cytogenetic location: 2p22.2.
Variant type: single nucleotide variant.
Coding change: c.95A>C on transcript NM_001135651.3 (MANE Select); coding-DNA position 95, A replaced by C.
Protein change: p.Asn32Thr; replaces asparagine 32 with threonine.
Molecular consequence: missense variant.
Genome position (GRCh38, 1-based): chr2:37,147,712, T>G on the plus strand (A>C on the coding strand, the complement: EIF2AK2 is on the minus strand). VCF-style: chr2-37147712-T-G. GRCh37 (hg19) VCF-style: chr2-37374855-T-G.
Other names: c.95A>C, p.Asn32Thr (NM_001135652.3, NM_002759.4); short protein forms N32T.
Identifiers: ClinVar variation 1332909 (VCV001332909.4), dbSNP rs1675604381, ClinGen allele CA346323180.